The following is an entry in ClinVar:

ClinVar aggregate classification (germline): Uncertain significance (1 of 4 stars; one submission).

Conditions:
Epidermolysis bullosa simplex with nail dystrophy (EBS5D). Identifiers: MedGen C4225309, MONDO:0014661, OMIM 616487.
Epidermolysis bullosa simplex, Ogna type (EBS5A). Also called: Pidermolysis bullosa simplex 5A, Ogna type; EPIDERMOLYSIS BULLOSA SIMPLEX 5A, OGNA TYPE. Identifiers: Orphanet 79401, MedGen C0432317, MONDO:0007555, OMIM 131950.
Epidermolysis bullosa simplex 5B, with muscular dystrophy (EBS5B). Also called: Epidermolysis bullosa simplex with muscular dystrophy; EPIDERMOLYSIS BULLOSA SIMPLEX AND LIMB-GIRDLE MUSCULAR DYSTROPHY. Identifiers: Orphanet 257, MedGen C2931072, MONDO:0009181, OMIM 226670.
Autosomal recessive limb-girdle muscular dystrophy type 2Q (LGMDR17). Also called: MUSCULAR DYSTROPHY, LIMB-GIRDLE, AUTOSOMAL RECESSIVE 17. Identifiers: Orphanet 254361, MedGen C3150989, MONDO:0013390, OMIM 613723.
Epidermolysis bullosa simplex 5C, with pyloric atresia (EBS5C). Also called: PLEC-Related Epidermolysis Bullosa with Pyloric Atresia; Epidermolysis bullosa simplex with pyloric atresia; PLEC1-Related Epidermolysis Bullosa with Pyloric Atresia. Identifiers: Orphanet 158684, MedGen C2677349, MONDO:0012807, OMIM 612138.

Submission:

Labcorp Genetics (formerly Invitae), Labcorp
Classification: Uncertain significance for Autosomal recessive limb-girdle muscular dystrophy type 2Q; Epidermolysis bullosa simplex, Ogna type; Epidermolysis bullosa simplex with nail dystrophy; Epidermolysis bullosa simplex 5C, with pyloric atresia; Epidermolysis bullosa simplex 5B, with muscular dystrophy. Last evaluated: 2022-08-23. Review status: criteria provided, single submitter. Criteria: Invitae Variant Classification Sherloc (09022015). Collection method: clinical testing. Allele origin: germline.
Comment: In summary, the available evidence is currently insufficient to determine the role of this variant in disease. Therefore, it has been classified as a Variant of Uncertain Significance. Algorithms developed to predict the effect of missense changes on protein structure and function are either unavailable or do not agree on the potential impact of this missense change (SIFT: "Tolerated"; PolyPhen-2: "Not Available"; Align-GVGD: "Class C0"). ClinVar contains an entry for this variant (Variation ID: 1005557). This variant has not been reported in the literature in individuals affected with PLEC-related conditions. This variant is not present in population databases (gnomAD no frequency). This sequence change replaces serine, which is neutral and polar, with threonine, which is neutral and polar, at codon 12 of the PLEC protein (p.Ser12Thr).

NM_000445.5(PLEC):c.34T>A (p.Ser12Thr)

Gene: PLEC (plectin; minus strand). Cytogenetic location: 8q24.3.
Variant type: single nucleotide variant.
Coding change: c.34T>A on transcript NM_000445.5; coding-DNA position 34, T replaced by A.
Protein change: p.Ser12Thr; replaces serine 12 with threonine.
Molecular consequence: missense variant.
Genome position (GRCh38, 1-based): chr8:143,975,336, A>T on the plus strand (T>A on the coding strand, the complement: PLEC is on the minus strand). VCF-style: chr8-143975336-A-T. GRCh37 (hg19) VCF-style: chr8-145049504-A-T.
Other names: c.34T>A, p.Ser12Thr (NM_001410941.1); short protein forms S12T.
Identifiers: ClinVar variation 1005557 (VCV001005557.6), dbSNP rs1554745712, ClinGen allele CA372492237.